The following is an entry in ClinVar:

NM_133510.4(RAD51B):c.139C>T (p.Arg47Ter)

Gene: RAD51B (RAD51 paralog B; plus strand). Cytogenetic location: 14q24.1.
Variant type: single nucleotide variant.
Coding change: c.139C>T on transcript NM_133510.4 (MANE Select); coding-DNA position 139, C replaced by T.
Protein change: p.Arg47Ter; replaces arginine 47 with a stop codon.
Molecular consequence: nonsense. On other transcripts: 5 prime UTR variant (1).
Genome position (GRCh38, 1-based): chr14:67,825,518, C>T. VCF-style: chr14-67825518-C-T. GRCh37 (hg19) VCF-style: chr14-68292235-C-T.
Other names: c.139C>T, p.Arg47Ter (NM_001321809.2, NM_001321810.2, NM_001321812.1 and 6 more transcripts); c.25C>T, p.Arg9Ter (NM_001321815.1); c.-317C>T (NM_001321817.2); c.139C>T (NM_133510.3); short protein forms R47*, R9*.
Identifiers: ClinVar variation 224591 (VCV000224591.6), dbSNP rs200355697, ClinGen allele CA351212.

ClinVar aggregate classification (germline): Uncertain significance. Review status: criteria provided, multiple submitters, no conflicts (2 of 4 stars). 3 submissions from 3 submitters: Uncertain significance (2). 1 of the submissions does not count toward it. Last evaluated 2024-08-23.

Conditions:
Hereditary cancer-predisposing syndrome. Also called: Tumor predisposition; Hereditary neoplastic syndrome; Neoplastic Syndromes, Hereditary; Hereditary Cancer Syndrome. Identifiers: Orphanet 140162, MedGen C0027672, MeSH D009386, MONDO:0015356.
Familial cancer of breast. Also called: hereditary breast carcinoma; BREAST CANCER, FAMILIAL; Hereditary breast cancer. Identifiers: Orphanet 227535, MedGen C0346153, MONDO:0016419, OMIM 114480. Disease mechanism: loss of function.

Allele frequency attached by ClinVar (database versions not stated): gnomAD 0.00006 and 0.00007; TOPMed 0.00012; gnomAD exomes 0.00015; 1000 Genomes Project 30x 0.00016; ExAC 0.00017; 1000 Genomes Project 0.00020.

Submissions (3):

Ambry Genetics
Classification: Uncertain significance. Last evaluated: 2024-08-23. Review status: criteria provided, single submitter. Criteria: Ambry Variant Classification Scheme 2023. Collection method: clinical testing. Allele origin: germline.
Comment: The p.R47* variant (also known as c.139C>T), located in coding exon 2 of the RAD51B gene, results from a C to T substitution at nucleotide position 139. This changes the amino acid from an arginine to a stop codon within coding exon 2. This alteration is expected to result in protein truncation or nonsense-mediated mRNA decay. However, the evidence for this gene-disease relationship is limited; therefore, the clinical significance of this alteration is unclear.

University of Washington Department of Laboratory Medicine, University of Washington
Classification: Uncertain significance for Hereditary cancer-predisposing syndrome. Last evaluated: 2015-11-20. Review status: criteria provided, single submitter. Criteria: Shirts et al. (Genet Med 2016). Collection method: clinical testing. Allele origin: germline. Affected: yes. Observed: 1 variant allele.

Biotechnology, Institute of Science, Nirma University
Classification: Uncertain significance for Familial cancer of breast. Last evaluated: 2024-04-15. Review status: no assertion criteria provided. Collection method: clinical testing. Allele origin: germline. Affected: yes. Observed: 1 variant allele, 1 heterozygote. Not counted in ClinVar's aggregate classification.
Comment: The RAD51B a paralogue for RAD51, is found to play a role in breast and ovarian cancers. RAD51Bc.139C>T is a heterozygous dominant variant which has been classified as VUS. The variant has structural implication on the protein leading to its premature termination at Arg47. Further in-silico analysis indicates absence of interatction between RAD51B and RAD51C due to a loss of NTD region and Linker domain of the RAD51B. This disrupts the DNA damage repair further downstream.

Literature cited by the submitters: PubMed 24139550 (cited by Biotechnology, Institute of Science, Nirma University); PubMed 23001122 (cited by Biotechnology, Institute of Science, Nirma University); PubMed 16778173 (cited by Biotechnology, Institute of Science, Nirma University).